The following is an entry in ClinVar:

ClinVar aggregate classification (germline): Uncertain significance (1 of 4 stars; one submission).

Conditions:
Psoriasis 2. Identifiers: MedGen C1864497, MONDO:0011269, OMIM 602723.
Pityriasis rubra pilaris (PRP). Also called: Pityriasis rubra pilaris--familial type. Identifiers: Orphanet 2897, MedGen C0032027, MONDO:0100017, OMIM 173200, MONDO:0008251.

Allele frequency attached by ClinVar (database versions not stated): gnomAD 0.00006; TOPMed 0.00007; 1000 Genomes Project 30x 0.00016; 1000 Genomes Project 0.00020; ESP Exome Variant Server 0.00023.
gnomAD v4.1: 121 of 1,517,264 alleles (0.008%); highest among the groups gnomAD compares: Admixed American, 0.03%; no homozygotes.

Submission:

Labcorp Genetics (formerly Invitae), Labcorp
Classification: Uncertain significance for Pityriasis rubra pilaris; Psoriasis 2. Last evaluated: 2025-12-26. Review status: criteria provided, single submitter. Criteria: Invitae Variant Classification Sherloc (09022015). Collection method: clinical testing. Allele origin: germline.
Comment: This sequence change creates a premature translational stop signal (p.Ser276*) in the CARD14 gene. It is expected to result in an absent or disrupted protein product. However, the current clinical and genetic evidence is not sufficient to establish whether loss-of-function variants in CARD14 cause disease. This variant is present in population databases (rs149318654, gnomAD 0.03%). This variant has not been reported in the literature in individuals affected with CARD14-related conditions. ClinVar contains an entry for this variant (Variation ID: 573655). In summary, the available evidence is currently insufficient to determine the role of this variant in disease. Therefore, it has been classified as a Variant of Uncertain Significance.

NM_001366385.1(CARD14):c.827C>A (p.Ser276Ter)

Gene: CARD14 (caspase recruitment domain family member 14; plus strand). Cytogenetic location: 17q25.3.
Variant type: single nucleotide variant.
Coding change: c.827C>A on transcript NM_001366385.1 (MANE Select); coding-DNA position 827, C replaced by A.
Protein change: p.Ser276Ter; replaces serine 276 with a stop codon.
Molecular consequence: nonsense. On other transcripts: non-coding transcript variant (1).
Genome position (GRCh38, 1-based): chr17:80,188,528, C>A. VCF-style: chr17-80188528-C-A. GRCh37 (hg19) VCF-style: chr17-78162327-C-A.
Other names: c.827C>A, p.Ser276Ter (NM_024110.4, NM_001257970.1); c.116C>A, p.Ser39Ter (NM_052819.3); short protein forms S276*, S39*.
Identifiers: ClinVar variation 573655 (VCV000573655.10), dbSNP rs149318654, ClinGen allele CA8816526.